The following is an entry in ClinVar:

NM_021167.5(GATAD1):c.85C>A (p.Leu29Ile)

Genes: GATAD1 (GATA zinc finger domain containing 1; plus strand), LOC129998793 (ATAC-STARR-seq lymphoblastoid silent region 18371; plus strand). Cytogenetic location: 7q21.2.
Variant type: single nucleotide variant.
Coding change: c.85C>A on transcript NM_021167.5 (MANE Select); coding-DNA position 85, C replaced by A.
Protein change: p.Leu29Ile; replaces leucine 29 with isoleucine.
Molecular consequence: missense variant. On other transcripts: non-coding transcript variant (1).
Genome position (GRCh38, 1-based): chr7:92,447,814, C>A. VCF-style: chr7-92447814-C-A. GRCh37 (hg19) VCF-style: chr7-92077128-C-A.
Other names: short protein forms L29I.
Identifiers: ClinVar variation 1763997 (VCV001763997.2), dbSNP rs1789219209, ClinGen allele CA368154988.
Genomic context (GRCh38, chr7:92,447,814, plus strand): 5'-TGCAGCGTATGCAAGACCACGTCGTCCTCCATGTGGAAGAAGGGAGCGCAGGGGGAGATC[C>A]TCTGCCATCATTGCACTGGCCGGGGCGGCGCGGGCAGCGGGGGCGCAGGCTCGGGGGCGG-3'
Protein context (NP_066990.3, residues 19-39): MWKKGAQGEI[Leu29Ile]CHHCTGRGGA

ClinVar aggregate classification (germline): Uncertain significance (1 of 4 stars; one submission).

Conditions:
Cardiovascular phenotype. Identifiers: MedGen CN230736.

Submission:

Ambry Genetics
Classification: Uncertain significance for Cardiovascular phenotype. Last evaluated: 2022-06-14. Review status: criteria provided, single submitter. Criteria: Ambry Variant Classification Scheme 2023. Collection method: clinical testing. Allele origin: germline.
Comment: The p.L29I variant (also known as c.85C>A), located in coding exon 1 of the GATAD1 gene, results from a C to A substitution at nucleotide position 85. The leucine at codon 29 is replaced by isoleucine, an amino acid with highly similar properties. This amino acid position is conserved. In addition, the in silico prediction for this alteration is inconclusive. Since supporting evidence is limited at this time, the clinical significance of this alteration remains unclear.